The following is an entry in ClinVar:

NM_000260.4(MYO7A):c.3925-8G>A

Gene: MYO7A (myosin VIIA; plus strand). Cytogenetic location: 11q13.5.
Variant type: single nucleotide variant.
Coding change: c.3925-8G>A on transcript NM_000260.4 (MANE Select); 8 bases into the intron before coding-DNA position 3925, G replaced by A.
Molecular consequence: intron variant.
Genome position (GRCh38, 1-based): chr11:77,192,043, G>A. VCF-style: chr11-77192043-G-A. GRCh37 (hg19) VCF-style: chr11-76903088-G-A.
Other names: c.3892-8G>A (NM_001369365.1); c.3925-8G>A (NM_001127180.2).
Identifiers: ClinVar variation 178484 (VCV000178484.29), dbSNP rs367645097, ClinGen allele CA182418.

ClinVar aggregate classification (germline): Conflicting classifications of pathogenicity. Review status: criteria provided, conflicting classifications (1 of 4 stars). 9 submissions from 7 submitters: Uncertain significance (3); Likely benign (5). 1 of the submissions does not count toward it. Last evaluated 2026-02-02.

Conditions:
MYO7A-related disorder. Also called: MYO7A-related disorders.
Usher syndrome type 1 (USH1). Also called: RETINITIS PIGMENTOSA AND CONGENITAL DEAFNESS. Identifiers: Orphanet 231169, Orphanet 886, MedGen C1568247, MONDO:0010168, OMIM 276900.
Autosomal dominant nonsyndromic hearing loss 11. Identifiers: Orphanet 90635, MedGen C1832475, MONDO:0011032, OMIM 601317.
Autosomal recessive nonsyndromic hearing loss 2. Also called: NEUROSENSORY NONSYNDROMIC RECESSIVE DEAFNESS 2; DEAFNESS, AUTOSOMAL RECESSIVE 2. Identifiers: Orphanet 90636, MedGen C1838701, MONDO:0010807, OMIM 600060.

Allele frequency attached by ClinVar (database versions not stated): ESP Exome Variant Server 0.00016; gnomAD 0.00028 and 0.00029; ExAC 0.00032; gnomAD exomes 0.00033 and 0.00061; TOPMed 0.00035.
gnomAD v4.1: 915 of 1,610,458 alleles (0.057%); highest among the groups gnomAD compares: Non-Finnish European, 0.073%; 1 homozygote.

Submissions (9):

Labcorp Genetics (formerly Invitae), Labcorp
Classification: Likely benign. Last evaluated: 2026-02-02. Review status: criteria provided, single submitter. Criteria: Invitae Variant Classification Sherloc (09022015). Collection method: clinical testing. Allele origin: germline.

CeGaT Center for Human Genetics Tuebingen
Classification: Likely benign. Last evaluated: 2025-07-01. Review status: criteria provided, single submitter. Criteria: CeGaT Center For Human Genetics Tuebingen Variant Classification Criteria Version 2. Collection method: clinical testing. Allele origin: germline. Affected: yes. Observed: 1 variant allele.
Comment: MYO7A: BP4

Blueprint Genetics
Classification: Likely benign. Last evaluated: 2024-11-07. Review status: criteria provided, single submitter. Criteria: ACMG Guidelines, 2015. Collection method: clinical testing. Allele origin: germline.

GeneDx
Classification: Likely benign. Last evaluated: 2018-04-30. Review status: criteria provided, single submitter. Criteria: GeneDx Variant Classification (06012015). Collection method: clinical testing. Allele origin: germline. Affected: yes.
Comment: This variant is considered likely benign or benign based on one or more of the following criteria: it is a conservative change, it occurs at a poorly conserved position in the protein, it is predicted to be benign by multiple in silico algorithms, and/or has population frequency not consistent with disease.

Illumina Laboratory Services, Illumina
Classification: Uncertain significance for Usher syndrome type 1. Last evaluated: 2017-04-27. Review status: criteria provided, single submitter. Criteria: ICSL Variant Classification Criteria 13 December 2019. Collection method: clinical testing. Allele origin: germline.
Comment: This variant was observed as part of a predisposition screen in an ostensibly healthy population. A literature search was performed for the gene, cDNA change, and amino acid change (where applicable). Publications were found based on this search. However, the evidence from the literature, in combination with allele frequency data from public databases where available, was not sufficient to rule this variant in or out of causing disease. Therefore, this variant is classified as a variant of unknown significance.

Illumina Laboratory Services, Illumina
Classification: Uncertain significance for Autosomal dominant nonsyndromic hearing loss 11. Last evaluated: 2017-04-27. Review status: criteria provided, single submitter. Criteria: ICSL Variant Classification Criteria 13 December 2019. Collection method: clinical testing. Allele origin: germline.

Illumina Laboratory Services, Illumina
Classification: Uncertain significance for Autosomal recessive nonsyndromic hearing loss 2. Last evaluated: 2017-04-27. Review status: criteria provided, single submitter. Criteria: ICSL Variant Classification Criteria 13 December 2019. Collection method: clinical testing. Allele origin: germline.

Laboratory for Molecular Medicine, Mass General Brigham Personalized Medicine
Classification: Likely benign. Last evaluated: 2013-11-05. Review status: criteria provided, single submitter. Criteria: LMM Criteria. Collection method: clinical testing. Allele origin: germline. Observed: 1 variant allele.
Comment: 3925-8G>A in Intron 30 of MYO7A: This variant is not expected to have clinical significance because it was shown to have no effect on splicing in an ex-vivo fu nctional study (Le Guedard-Mereuze 2010) and it is not located in the invariant -1/-2 positions of the splice site consensus sequence. The variant has been iden tified in 0.02% (2/8402) of European American chromosomes by the NHLBI Exome seq uencing project and in an individual with Us her type I syndrome but the authors reported it as a neutral variant (Le Guedard -Mereuze 2010).

PreventionGenetics, part of Exact Sciences
Classification: Likely benign for MYO7A-related condition. Last evaluated: 2024-05-13. Review status: no assertion criteria provided. Collection method: clinical testing. Allele origin: germline. Not counted in ClinVar's aggregate classification.
Comment: This variant is classified as likely benign based on ACMG/AMP sequence variant interpretation guidelines (Richards et al. 2015 PMID: 25741868, with internal and published modifications).

Literature cited by the submitters: PubMed 20052763 (cited by Illumina Laboratory Services, Illumina).